The following is an entry in ClinVar:

ClinVar aggregate classification (germline): Uncertain significance (1 of 4 stars; one submission).

gnomAD v4.1: 6 of 1,613,918 alleles (0.00037%); highest among the groups gnomAD compares: Admixed American, 0.0017%; no homozygotes.

Submission:

Labcorp Genetics (formerly Invitae), Labcorp
Classification: Uncertain significance. Last evaluated: 2024-08-22. Review status: criteria provided, single submitter. Criteria: Invitae Variant Classification Sherloc (09022015). Collection method: clinical testing. Allele origin: germline.
Comment: This sequence change replaces histidine, which is basic and polar, with arginine, which is basic and polar, at codon 66 of the USP53 protein (p.His66Arg). This variant is present in population databases (no rsID available, gnomAD 0.003%). This variant has not been reported in the literature in individuals affected with USP53-related conditions. Invitae Evidence Modeling of protein sequence and biophysical properties (such as structural, functional, and spatial information, amino acid conservation, physicochemical variation, residue mobility, and thermodynamic stability) indicates that this missense variant is expected to disrupt USP53 protein function with a positive predictive value of 80%. In summary, the available evidence is currently insufficient to determine the role of this variant in disease. Therefore, it has been classified as a Variant of Uncertain Significance.

NM_001371395.1(USP53):c.197A>G (p.His66Arg)

Gene: USP53 (ubiquitin specific peptidase 53; plus strand). Cytogenetic location: 4q26.
Variant type: single nucleotide variant.
Coding change: c.197A>G on transcript NM_001371395.1 (MANE Select); coding-DNA position 197, A replaced by G.
Protein change: p.His66Arg; replaces histidine 66 with arginine.
Molecular consequence: missense variant. On other transcripts: 5 prime UTR variant (6).
Genome position (GRCh38, 1-based): chr4:119,245,389, A>G. VCF-style: chr4-119245389-A-G. GRCh37 (hg19) VCF-style: chr4-120166544-A-G.
Other names: c.197A>G, p.His66Arg (NM_001371396.1, NM_001371397.1, NM_001371398.1 and 6 more transcripts); c.-152A>G (NM_001389662.1, NM_001389663.1, NM_001389664.1 and 3 more transcripts); short protein forms H66R.
Identifiers: ClinVar variation 3673979 (VCV003673979.2).